The following is an entry in ClinVar:

ClinVar aggregate classification (germline): Uncertain significance. Review status: criteria provided, multiple submitters, no conflicts (2 of 4 stars). 2 submissions from 2 submitters: Uncertain significance (2). Last evaluated 2021-10-01.

Conditions:
Mendelian susceptibility to mycobacterial diseases due to partial STAT1 deficiency. Also called: IMMUNODEFICIENCY 31A, MYCOBACTERIOSIS, AUTOSOMAL DOMINANT; STAT1 DEFICIENCY, AUTOSOMAL DOMINANT; Immunodeficiency 31a. Identifiers: Orphanet 319595, MedGen C4013950, MONDO:0013956, OMIM 614892.
Immunodeficiency 31B. Also called: IMMUNODEFICIENCY 31B, MYCOBACTERIAL AND VIRAL INFECTIONS, AUTOSOMAL RECESSIVE; STAT1 DEFICIENCY, AUTOSOMAL RECESSIVE. Identifiers: Orphanet 391311, MedGen C3151088, MONDO:0013427, OMIM 613796.
Autoimmune enteropathy and endocrinopathy - susceptibility to chronic infections syndrome. Also called: Immunodeficiency 31C; Immunodeficiency 31C, autosomal dominant. Identifiers: Orphanet 391487, MedGen C3279990, MONDO:0013599, OMIM 614162.

Submissions (2):

CeGaT Center for Human Genetics Tuebingen
Classification: Uncertain significance. Last evaluated: 2021-10-01. Review status: criteria provided, single submitter. Criteria: CeGaT Center For Human Genetics Tuebingen Variant Classification Criteria Version 2. Collection method: clinical testing. Allele origin: germline. Affected: yes. Observed: 2 variant alleles.

Labcorp Genetics (formerly Invitae), Labcorp
Classification: Uncertain significance for Mendelian susceptibility to mycobacterial diseases due to partial STAT1 deficiency; Immunodeficiency 31B; Autoimmune enteropathy and endocrinopathy - susceptibility to chronic infections syndrome. Last evaluated: 2020-02-22. Review status: criteria provided, single submitter. Criteria: Invitae Variant Classification Sherloc (09022015). Collection method: clinical testing. Allele origin: germline.
Comment: This sequence change replaces leucine with proline at codon 199 of the STAT1 protein (p.Leu199Pro). The leucine residue is moderately conserved and there is a moderate physicochemical difference between leucine and proline. This variant is not present in population databases (ExAC no frequency). This variant has not been reported in the literature in individuals with STAT1-related conditions. Algorithms developed to predict the effect of missense changes on protein structure and function are either unavailable or do not agree on the potential impact of this missense change (SIFT: "Tolerated"; PolyPhen-2: "Probably Damaging"; Align-GVGD: "Class C0"). In summary, the available evidence is currently insufficient to determine the role of this variant in disease. Therefore, it has been classified as a Variant of Uncertain Significance.

NM_007315.4(STAT1):c.596T>C (p.Leu199Pro)

Gene: STAT1 (signal transducer and activator of transcription 1; minus strand). Cytogenetic location: 2q32.2.
Variant type: single nucleotide variant.
Coding change: c.596T>C on transcript NM_007315.4 (MANE Select); coding-DNA position 596, T replaced by C.
Protein change: p.Leu199Pro; replaces leucine 199 with proline.
Molecular consequence: missense variant. On other transcripts: intron variant (1).
Genome position (GRCh38, 1-based): chr2:190,998,254, A>G on the plus strand (T>C on the coding strand, the complement: STAT1 is on the minus strand). VCF-style: chr2-190998254-A-G. GRCh37 (hg19) VCF-style: chr2-191862980-A-G.
Other names: c.596T>C, p.Leu199Pro (NM_001384880.1, NM_001384882.1, NM_001384885.1 and 5 more transcripts); c.602T>C, p.Leu201Pro (NM_001384881.1, NM_001384884.1); c.506T>C, p.Leu169Pro (NM_001384890.1); c.632T>C, p.Leu211Pro (NM_001384891.1); c.535-247T>C (NM_001384883.1); short protein forms L199P, L169P, L201P, L211P.
Identifiers: ClinVar variation 842244 (VCV000842244.45), dbSNP rs1693998068, ClinGen allele CA349924183.
Genomic context (GRCh38, chr2:190,998,254, plus strand): 5'-TATTCTGGAAAGTAAATAACTACCTTTCTCTTATTGTCAAGCATTAAATACATCTTCTTG[A>G]GTAACAGCTGTTCTTGTTTCTGATCACTCTTTGCCACACCATTGGTCTCGTGTTCTATAA-3'
Protein context (NP_009330.1, residues 189-209): KSDQKQEQLL[Leu199Pro]KKMYLMLDNK